The following is an entry in ClinVar:

ClinVar aggregate classification (germline): Uncertain significance. Review status: criteria provided, multiple submitters, no conflicts (2 of 4 stars). 5 submissions from 5 submitters: Uncertain significance (5). Last evaluated 2026-01-26.

Conditions:
Neuroblastoma, susceptibility to, 3. Also called: ALK-Related Neuroblastic Tumor Susceptibility. Identifiers: Orphanet 635, MedGen C2751681, MONDO:0013083, OMIM 613014.
Hereditary cancer-predisposing syndrome. Also called: Hereditary neoplastic syndrome; Tumor predisposition; Hereditary Cancer Syndrome; Neoplastic Syndromes, Hereditary. Identifiers: Orphanet 140162, MedGen C0027672, MeSH D009386, MONDO:0015356.
ALK-related disorder. Also called: ALK-related condition.

Allele frequency attached by ClinVar (database versions not stated): ExAC 0.00001; gnomAD 0.00001; gnomAD exomes 0.00002; TOPMed 0.00002.
gnomAD v4.1: 18 of 1,614,018 alleles (0.0011%); highest among the groups gnomAD compares: African/African-American, 0.0027%; no homozygotes.

Submissions (5):

Labcorp Genetics (formerly Invitae), Labcorp
Classification: Uncertain significance for Neuroblastoma, susceptibility to, 3. Last evaluated: 2026-01-26. Review status: criteria provided, single submitter. Criteria: Invitae Variant Classification Sherloc (09022015). Collection method: clinical testing. Allele origin: germline.
Comment: This sequence change replaces alanine, which is neutral and non-polar, with threonine, which is neutral and polar, at codon 704 of the ALK protein (p.Ala704Thr). This variant is present in population databases (rs34829159, gnomAD 0.006%). This variant has not been reported in the literature in individuals affected with ALK-related conditions. ClinVar contains an entry for this variant (Variation ID: 575004). An algorithm developed to predict the effect of missense changes on protein structure and function (PolyPhen-2) suggests that this variant is likely to be tolerated. In summary, the available evidence is currently insufficient to determine the role of this variant in disease. Therefore, it has been classified as a Variant of Uncertain Significance.

Ambry Genetics
Classification: Uncertain significance for Hereditary cancer-predisposing syndrome. Last evaluated: 2024-12-19. Review status: criteria provided, single submitter. Criteria: Ambry Variant Classification Scheme 2023. Collection method: clinical testing. Allele origin: germline.
Comment: The p.A704T variant (also known as c.2110G>A), located in coding exon 12 of the ALK gene, results from a G to A substitution at nucleotide position 2110. The alanine at codon 704 is replaced by threonine, an amino acid with similar properties. This amino acid position is well conserved in available vertebrate species. In addition, the in silico prediction for this alteration is inconclusive. Based on the available evidence, the clinical significance of this variant remains unclear.

Baylor Genetics
Classification: Uncertain significance for Neuroblastoma, susceptibility to, 3. Last evaluated: 2023-06-16. Review status: criteria provided, single submitter. Criteria: ACMG Guidelines, 2015. Collection method: clinical testing. Allele origin: unknown.

PreventionGenetics, part of Exact Sciences
Classification: Uncertain significance for ALK-related condition. Last evaluated: 2022-09-06. Review status: criteria provided, single submitter. Criteria: ACMG Guidelines, 2015. Collection method: clinical testing. Allele origin: germline.
Comment: The ALK c.2110G>A variant is predicted to result in the amino acid substitution p.Ala704Thr. To our knowledge, this variant has not been reported in the literature. This variant is reported in 0.0062% of alleles in individuals of African descent in gnomAD and is listed in ClinVar as uncertain. At this time, the clinical significance of this variant is uncertain due to the absence of conclusive functional and genetic evidence.

GeneDx
Classification: Uncertain significance. Last evaluated: 2021-03-08. Review status: criteria provided, single submitter. Criteria: GeneDx Variant Classification Process June 2021. Collection method: clinical testing. Allele origin: germline. Affected: yes.
Comment: Has not been previously published as pathogenic or benign to our knowledge; Not observed at a significant frequency in large population cohorts (Lek et al., 2016); In silico analysis supports that this missense variant does not alter protein structure/function

NM_004304.5(ALK):c.2110G>A (p.Ala704Thr)

Gene: ALK (ALK receptor tyrosine kinase; minus strand). Cytogenetic location: 2p23.2.
Variant type: single nucleotide variant.
Coding change: c.2110G>A on transcript NM_004304.5 (MANE Select); coding-DNA position 2110, G replaced by A.
Protein change: p.Ala704Thr; replaces alanine 704 with threonine.
Molecular consequence: missense variant.
Genome position (GRCh38, 1-based): chr2:29,251,199, C>T on the plus strand (G>A on the coding strand, the complement: ALK is on the minus strand). VCF-style: chr2-29251199-C-T. GRCh37 (hg19) VCF-style: chr2-29474065-C-T.
Other names: short protein forms A704T.
Identifiers: ClinVar variation 575004 (VCV000575004.15), dbSNP rs34829159, ClinGen allele CA1594432.